The following is an entry in ClinVar:

NM_001329.4(CTBP2):c.58+12130G>A

Gene: CTBP2 (C-terminal binding protein 2; minus strand). Cytogenetic location: 10q26.13.
Variant type: single nucleotide variant.
Coding change: c.58+12130G>A on transcript NM_001329.4 (MANE Select); 12130 bases into the intron after coding-DNA position 58, G replaced by A.
Molecular consequence: intron variant. On other transcripts: missense variant (1).
Genome position (GRCh38, 1-based): chr10:125,026,867, C>T on the plus strand (G>A on the coding strand, the complement: CTBP2 is on the minus strand). VCF-style: chr10-125026867-C-T. GRCh37 (hg19) VCF-style: chr10-126715436-C-T.
Other names: c.893G>A, p.Arg298Gln (NM_022802.3); c.58+12130G>A (NM_001083914.3, NM_001290214.3, NM_001321012.2 and 3 more transcripts); short protein forms R298Q.
Identifiers: ClinVar variation 3059058 (VCV003059058.2), dbSNP rs3781411, ClinGen allele CA5736405.
Genomic context (GRCh38, chr10:125,026,867, plus strand): 5'-GGGGAGTCAAAGCCCTGCTGCAGTAGGGCTCCCAGCGTGGCCTCTGCCAGCCCCTCCGCC[C>T]GCAGAAAGGCCAGGAACTCAGGGAGCACGGTCCTCTTGCCACCAGGACCCTGGAAGGTGG-3'

ClinVar aggregate classification (germline): Benign (0 of 4 stars; one submission).

Conditions:
CTBP2-related disorder. Also called: CTBP2-related condition.

Allele frequency attached by ClinVar (database versions not stated): ESP Exome Variant Server 0.12117; 1000 Genomes Project 0.12200; 1000 Genomes Project 30x 0.12820; gnomAD exomes 0.12963; gnomAD 0.13676; ExAC 0.13954; TOPMed 0.14265.
gnomAD v4.1: 210,042 of 1,613,678 alleles (13%); highest among the groups gnomAD compares: Admixed American, 29%; 14,966 homozygotes.

Submission:

PreventionGenetics, part of Exact Sciences
Classification: Benign for CTBP2-related condition. Last evaluated: 2019-10-18. Review status: no assertion criteria provided. Collection method: clinical testing. Allele origin: germline.
Comment: This variant is classified as benign based on ACMG/AMP sequence variant interpretation guidelines (Richards et al. 2015 PMID: 25741868, with internal and published modifications).